The following is an entry in ClinVar:

ClinVar aggregate classification (germline): Uncertain significance (1 of 4 stars; one submission).

Submission:

GeneDx
Classification: Uncertain significance. Last evaluated: 2025-07-25. Review status: criteria provided, single submitter. Criteria: GeneDx Variant Classification Process June 2021. Collection method: clinical testing. Allele origin: germline. Affected: yes.
Comment: Not observed at significant frequency in large population cohorts (gnomAD); In silico analysis suggests that this missense variant does not alter protein structure/function; Has not been previously published as pathogenic or benign to our knowledge

NM_006302.3(MOGS):c.472C>G (p.Arg158Gly)

Gene: MOGS (mannosyl-oligosaccharide glucosidase; minus strand). Cytogenetic location: 2p13.1.
Variant type: single nucleotide variant.
Coding change: c.472C>G on transcript NM_006302.3 (MANE Select); coding-DNA position 472, C replaced by G.
Protein change: p.Arg158Gly; replaces arginine 158 with glycine.
Molecular consequence: missense variant.
Genome position (GRCh38, 1-based): chr2:74,464,603, G>C on the plus strand (C>G on the coding strand, the complement: MOGS is on the minus strand). VCF-style: chr2-74464603-G-C. GRCh37 (hg19) VCF-style: chr2-74691730-G-C.
Other names: c.154C>G, p.Arg52Gly (NM_001146158.2); short protein forms R158G, R52G.
Identifiers: ClinVar variation 4686840 (VCV004686840.1).